The following is an entry in ClinVar:

NM_001347721.2(DYRK1A):c.2200dup (p.Ala734fs)

Gene: DYRK1A (dual specificity tyrosine phosphorylation regulated kinase 1A; plus strand). Cytogenetic location: 21q22.13.
Variant type: Duplication.
Coding change: c.2200dup on transcript NM_001347721.2 (MANE Select); coding-DNA position 2200, one base duplicated (G; older notation c.2200dupG).
Protein change: p.Ala734fs; shifts the reading frame from alanine 734.
Molecular consequence: frameshift variant. On other transcripts: 3 prime UTR variant (2).
Genome position (GRCh38, 1-based): chr21:37,512,466, G duplicated; the last of 4 consecutive G bases (chr21:37,512,463-37,512,466); duplicating any one gives the same sequence. VCF-style (leftmost placement, unchanged base first): chr21-37512462-A-AG. GRCh37 (hg19) VCF-style: chr21-38884765-A-AG.
Other names: c.2200dup, p.Ala734fs (NM_001347722.2, NM_130436.2); c.2113dup, p.Ala705fs (NM_001347723.2); c.2227dup, p.Ala743fs (NM_001396.5); c.*603dup (NM_101395.2); c.*512dup (NM_130438.2); short protein forms A705fs, A734fs, A743fs.
Identifiers: ClinVar variation 5006419 (VCV005006419.2).
Genomic context (GRCh38, chr21:37,512,462, plus strand): 5'-ATTTTCTGCTAATACAGGTCCTGCACATTACATGACTGAAGGACATCTGACAATGAGGCA[A>AG]GGGGCTGATAGAGAAGAGTCCCCCATGACAGGAGTTTGTGTGCAACAGAGTCCTGTAGCT-3'

ClinVar aggregate classification (germline): Uncertain significance (1 of 4 stars; one submission).

Conditions:
DYRK1A-related intellectual disability syndrome (MRD7). Also called: Intellectual developmental disorder, autosomal dominant 7; DYRK1A Syndrome. Identifiers: Orphanet 464306, MedGen C5568143, MONDO:0013578, OMIM 614104.

Submission:

Juno Genomics, Hangzhou Juno Genomics, Inc
Classification: Uncertain significance for DYRK1A-related intellectual disability syndrome. Review status: criteria provided, single submitter. Criteria: ACMG Guidelines, 2015. Collection method: clinical testing. Allele origin: germline.
Comment: Absent from controls (or at extremely low frequency if recessive) in Genome Aggregation Database.;Null variant in a gene where loss of function (LOF) is a known mechanism of disease.;De novo (both maternity and paternity confirmed) in a patient with the disease and no family history.